The following is an entry in ClinVar:

ClinVar aggregate classification (germline): Pathogenic (1 of 4 stars; one submission).

Conditions:
Severe intellectual disability-progressive spastic diplegia syndrome (NEDSDV). Also called: CTNNB1 Neurodevelopmental Disorder; NEURODEVELOPMENTAL DISORDER WITH SPASTIC DIPLEGIA AND VISUAL DEFECTS. Identifiers: Orphanet 404473, MedGen C3554449, MONDO:0014035, OMIM 615075.

Submission:

Victorian Clinical Genetics Services, Murdoch Childrens Research Institute
Classification: Pathogenic for Severe intellectual disability-progressive spastic diplegia syndrome. Last evaluated: 2020-05-26. Review status: criteria provided, single submitter. Criteria: ACMG Guidelines, 2015. Collection method: clinical testing. Allele origin: germline. Inheritance: Autosomal dominant inheritance. Affected: yes.
Comment: Based on the classification scheme VCGS_Germline_v1.1.1, this variant is classified as Pathogenic. Following criteria are met: 0103 - Both loss- and gain-of-function are known mechanisms of disease for this gene (OMIM). (N) 0107 - This gene is known to be associated with autosomal dominant disease. (N) 0201 - Variant is predicted to cause nonsense-mediated decay (NMD) and loss of protein (exon 13 of 15). (P) 0251 - Variant is heterozygous. (N) 0301 - Variant is absent from gnomAD. (P) 0701 - Comparable variants have very strong previous evidence for pathogenicity. Other variants predicted to cause NMD have been reported as pathogenic (ClinVar). (P) 0807 - Variant has not previously been reported in a clinical context. (N) 0905 - No segregation evidence has been identified for this variant. (N) 1007 - No published functional evidence has been identified for this variant. (N) 1208 - Inheritance information for this variant is not currently available. (N) Legend: (P) - Pathogenic, (N) - Neutral, (B) - Benign

NM_001904.4(CTNNB1):c.1961_1962del (p.Tyr654fs)

Gene: CTNNB1 (catenin beta 1; plus strand). Cytogenetic location: 3p22.1.
Variant type: Microsatellite.
Coding change: c.1961_1962del on transcript NM_001904.4 (MANE Select); coding-DNA positions 1961 to 1962, 2 bases deleted (AT; older notation c.1961_1962delAT).
Protein change: p.Tyr654fs; shifts the reading frame from tyrosine 654.
Molecular consequence: frameshift variant.
Genome position (GRCh38, 1-based): chr3:41,236,594-41,236,595, AT deleted; deleting any 2 consecutive bases within chr3:41,236,592-41,236,595 gives the same sequence; the c. name uses the placement nearest the transcript's 3' end. VCF-style (leftmost placement, unchanged base first): chr3-41236591-CAT-C. GRCh37 (hg19) VCF-style: chr3-41278082-CAT-C.
Other names: c.1961_1962del, p.Tyr654fs (NM_001098209.2, NM_001098210.2); c.1940_1941del, p.Tyr647fs (NM_001330729.2); short protein forms Y647fs, Y654fs.
Identifiers: ClinVar variation 1805795 (VCV001805795.1), dbSNP rs2470848814, ClinGen allele CA923726123.